The following is an entry in ClinVar:

NM_000051.4(ATM):c.1315C>T (p.Leu439=)

Gene: ATM (ATM serine/threonine kinase; plus strand). Cytogenetic location: 11q22.3.
Variant type: single nucleotide variant.
Coding change: c.1315C>T on transcript NM_000051.4 (MANE Select); coding-DNA position 1315, C replaced by T.
Protein change: p.Leu439=; no amino-acid change (leucine 439 retained).
Molecular consequence: synonymous variant.
Genome position (GRCh38, 1-based): chr11:108,250,780, C>T. VCF-style: chr11-108250780-C-T. GRCh37 (hg19) VCF-style: chr11-108121507-C-T.
Other names: c.1315C>T, p.Leu439= (NM_001351834.2).
Identifiers: ClinVar variation 3254499 (VCV003254499.2), dbSNP rs2135318392.

ClinVar aggregate classification (germline): Benign/Likely benign. Review status: criteria provided, multiple submitters, no conflicts (2 of 4 stars). 2 submissions from 2 submitters: Benign (1); Likely benign (1). Last evaluated 2024-11-10.

Conditions:
Hereditary cancer-predisposing syndrome. Also called: Hereditary Cancer Syndrome; Tumor predisposition; Hereditary neoplastic syndrome; Neoplastic Syndromes, Hereditary. Identifiers: Orphanet 140162, MedGen C0027672, MeSH D009386, MONDO:0015356.
Familial cancer of breast. Also called: BREAST CANCER, FAMILIAL; Hereditary breast cancer; hereditary breast carcinoma. Identifiers: Orphanet 227535, MedGen C0346153, MONDO:0016419, OMIM 114480. Disease mechanism: loss of function.

Submissions (2):

Ambry Genetics
Classification: Likely benign for Hereditary cancer-predisposing syndrome. Last evaluated: 2024-11-10. Review status: criteria provided, single submitter. Criteria: Ambry Variant Classification Scheme 2023. Collection method: clinical testing. Allele origin: germline.

Myriad Genetics, Inc.
Classification: Benign for Familial cancer of breast. Last evaluated: 2024-04-26. Review status: criteria provided, single submitter. Criteria: Myriad Autosomal Dominant, Autosomal Recessive and X-Linked Classification Criteria (2023). Collection method: clinical testing. Allele origin: unknown.
Comment: This variant is considered benign. This variant is a silent/synonymous amino acid change and it is not expected to impact splicing.